The following is an entry in ClinVar:

ClinVar aggregate classification (germline): Benign. Review status: criteria provided, single submitter (1 of 4 stars). 2 submissions from 1 submitter: Benign (2). Last evaluated 2018-03-06.

Conditions:
Craniosynostosis 2 (CRS2). Also called: Warman-Mulliken-Hayward syndrome; Craniosynostosis Warman type; Craniosynostosis Boston type. Identifiers: Orphanet 1541, MedGen C1858160, MONDO:0011481, OMIM 604757.
Parietal foramina 1 (PFM1). Also called: FORAMINA PARIETALIA PERMAGNA; PARIETAL FORAMINA, SYMMETRIC. Identifiers: Orphanet 60015, MedGen C1868599, MONDO:0008197, OMIM 168500.

Allele frequency attached by ClinVar (database versions not stated): 1000 Genomes Project 0.00060; 1000 Genomes Project 30x 0.00062; TOPMed 0.00164.
gnomAD v4.1: 459 of 1,549,366 alleles (0.03%); highest among the groups gnomAD compares: African/African-American, 0.53%; no homozygotes.

Submissions (2):

Illumina Laboratory Services, Illumina
Classification: Benign for Craniosynostosis 2. Last evaluated: 2018-03-06. Review status: criteria provided, single submitter. Criteria: ICSL Variant Classification Criteria 13 December 2019. Collection method: clinical testing. Allele origin: germline.
Comment: This variant was observed in the ICSL laboratory as part of a predisposition screen in an ostensibly healthy population. It had not been previously curated by ICSL or reported in the Human Gene Mutation Database (HGMD: prior to June 1st, 2018), and was therefore a candidate for classification through an automated scoring system. Utilizing variant allele frequency, disease prevalence and penetrance estimates, and inheritance mode, an automated score was calculated to assess if this variant is too frequent to cause the disease. Based on the score and internal cut-off values, a variant classified as benign is not then subjected to further curation. The score for this variant resulted in a classification of benign for this disease.

Illumina Laboratory Services, Illumina
Classification: Benign for Parietal foramina 1. Last evaluated: 2018-03-06. Review status: criteria provided, single submitter. Criteria: ICSL Variant Classification Criteria 13 December 2019. Collection method: clinical testing. Allele origin: germline.
Comment: the same text as in the submission from Illumina Laboratory Services, Illumina above.

NM_002449.5(MSX2):c.-56C>A

Gene: MSX2 (msh homeobox 2; plus strand). Cytogenetic location: 5q35.2.
Variant type: single nucleotide variant.
Coding change: c.-56C>A on transcript NM_002449.5 (MANE Select); 56 bases upstream of the start codon, C replaced by A.
Molecular consequence: 5 prime UTR variant.
Genome position (GRCh38, 1-based): chr5:174,724,604, C>A. VCF-style: chr5-174724604-C-A. GRCh37 (hg19) VCF-style: chr5-174151607-C-A.
Other names: c.-56C>A (NM_001363626.2).
Identifiers: ClinVar variation 904052 (VCV000904052.4), dbSNP rs113874536, ClinGen allele CA132700893.